The following is an entry in ClinVar:

ClinVar aggregate classification (germline): Uncertain significance. Review status: criteria provided, multiple submitters, no conflicts (2 of 4 stars). 6 submissions from 6 submitters: Uncertain significance (6). Last evaluated 2024-05-16.

Conditions:
Inborn genetic diseases. Identifiers: MedGen C0950123, MeSH D030342.
Marinesco-Sjögren syndrome (MSS). Also called: Marinesco-SjÃ¶gren syndrome; Marinesco-Sjogren Syndrome. Identifiers: Orphanet 559, MedGen C0024814, MONDO:0009567, OMIM 248800.

Allele frequency attached by ClinVar (database versions not stated): ExAC 0.00002; gnomAD exomes 0.00002; gnomAD 0.00005; TOPMed 0.00008.

Submissions (6):

Revvity Omics, Revvity
Classification: Uncertain significance for Marinesco-Sjögren syndrome. Last evaluated: 2024-05-16. Review status: criteria provided, single submitter. Criteria: ACMG Guidelines, 2015. Collection method: clinical testing. Allele origin: germline.

GeneDx
Classification: Uncertain significance. Last evaluated: 2023-09-28. Review status: criteria provided, single submitter. Criteria: GeneDx Variant Classification Process June 2021. Collection method: clinical testing. Allele origin: germline. Affected: yes.
Comment: Not observed at significant frequency in large population cohorts (gnomAD); In silico analysis supports that this missense variant has a deleterious effect on protein structure/function; Has not been previously published as pathogenic or benign to our knowledge

Blueprint Genetics
Classification: Uncertain significance. Last evaluated: 2023-09-18. Review status: criteria provided, single submitter. Criteria: ACMG Guidelines, 2015. Collection method: clinical testing. Allele origin: germline.

Labcorp Genetics (formerly Invitae), Labcorp
Classification: Uncertain significance for Marinesco-Sjögren syndrome. Last evaluated: 2022-03-27. Review status: criteria provided, single submitter. Criteria: Invitae Variant Classification Sherloc (09022015). Collection method: clinical testing. Allele origin: germline.
Comment: This sequence change replaces leucine, which is neutral and non-polar, with proline, which is neutral and non-polar, at codon 313 of the SIL1 protein (p.Leu313Pro). This variant is present in population databases (rs776731803, gnomAD 0.01%). This variant has not been reported in the literature in individuals affected with SIL1-related conditions. ClinVar contains an entry for this variant (Variation ID: 907690). Algorithms developed to predict the effect of missense changes on protein structure and function are either unavailable or do not agree on the potential impact of this missense change (SIFT: "Deleterious"; PolyPhen-2: "Probably Damaging"; Align-GVGD: "Class C0"). In summary, the available evidence is currently insufficient to determine the role of this variant in disease. Therefore, it has been classified as a Variant of Uncertain Significance.

Ambry Genetics
Classification: Uncertain significance for Inborn genetic diseases. Last evaluated: 2021-08-16. Review status: criteria provided, single submitter. Criteria: Ambry Variant Classification Scheme 2023. Collection method: clinical testing. Allele origin: germline.

Illumina Laboratory Services, Illumina
Classification: Uncertain significance for Marinesco-Sjögren syndrome. Last evaluated: 2018-01-15. Review status: criteria provided, single submitter. Criteria: ICSL Variant Classification Criteria 13 December 2019. Collection method: clinical testing. Allele origin: germline.

NM_022464.5(SIL1):c.938T>C (p.Leu313Pro)

Gene: SIL1 (SIL1 nucleotide exchange factor; minus strand). Cytogenetic location: 5q31.2.
Variant type: single nucleotide variant.
Coding change: c.938T>C on transcript NM_022464.5 (MANE Select); coding-DNA position 938, T replaced by C.
Protein change: p.Leu313Pro; replaces leucine 313 with proline.
Molecular consequence: missense variant.
Genome position (GRCh38, 1-based): chr5:138,951,262, A>G on the plus strand (T>C on the coding strand, the complement: SIL1 is on the minus strand). VCF-style: chr5-138951262-A-G. GRCh37 (hg19) VCF-style: chr5-138286951-A-G.
Other names: c.938T>C, p.Leu313Pro (NM_001037633.2); short protein forms L313P.
Identifiers: ClinVar variation 907690 (VCV000907690.9), dbSNP rs776731803, ClinGen allele CA3432434.